The following is an entry in ClinVar:

ClinVar aggregate classification (germline): Pathogenic. Review status: criteria provided, multiple submitters, no conflicts (2 of 4 stars). 3 submissions from 3 submitters: Pathogenic (3). Last evaluated 2026-01-06.

Conditions:
Inborn genetic diseases. Identifiers: MedGen C0950123, MeSH D030342.

Allele frequency attached by ClinVar (database versions not stated): ExAC 0.00006; TOPMed 0.00008.
gnomAD v4.1: 58 of 1,612,000 alleles (0.0036%); highest among the groups gnomAD compares: Admixed American, 0.027%; no homozygotes.

Submissions (3):

Dasa
Classification: Pathogenic. Last evaluated: 2026-01-06. Review status: criteria provided, single submitter. Criteria: DASA Assertion Criteria. Collection method: clinical testing. Allele origin: germline.
Comment: NM_020812.4(DOCK6):c.4480G>T (p.Glu1494*) introduces a premature termination codon predicted to result in loss of normal protein function. Loss-of-function is an established mechanism of disease for this gene. This variant has been recurrently observed in affected individuals with related phenotype in a genotype context consistent with recessive disease (PMID: 40481473; PMID: 25091416). The variant is present at low frequency in population datasets. Based on the available data, this variant is classified as pathogenic.

Labcorp Genetics (formerly Invitae), Labcorp
Classification: Pathogenic. Last evaluated: 2024-01-29. Review status: criteria provided, single submitter. Criteria: Invitae Variant Classification Sherloc (09022015). Collection method: clinical testing. Allele origin: germline.
Comment: This sequence change creates a premature translational stop signal (p.Glu1494*) in the DOCK6 gene. It is expected to result in an absent or disrupted protein product. Loss-of-function variants in DOCK6 are known to be pathogenic (PMID: 21820096, 25824905). This variant is present in population databases (rs568049240, gnomAD 0.03%). This premature translational stop signal has been observed in individual(s) with Adams-Olive syndrome (PMID: 25091416, 28884918). ClinVar contains an entry for this variant (Variation ID: 522048). For these reasons, this variant has been classified as Pathogenic.

Ambry Genetics
Classification: Pathogenic for Inborn genetic diseases. Last evaluated: 2017-09-27. Review status: criteria provided, single submitter. Criteria: Ambry exome assertion method (8-5-2015). Collection method: clinical testing. Allele origin: germline. Affected: yes. Observed: 1 variant allele.

Literature cited by the submitters: PubMed 40481473 (cited by Dasa); PubMed 25091416 (cited by Dasa and Labcorp Genetics (formerly Invitae), Labcorp); PubMed 21820096 (cited by Labcorp Genetics (formerly Invitae), Labcorp); PubMed 25824905 (cited by Labcorp Genetics (formerly Invitae), Labcorp); PubMed 28884918 (cited by Labcorp Genetics (formerly Invitae), Labcorp).

NM_020812.4(DOCK6):c.4480G>T (p.Glu1494Ter)

Genes: DOCK6 (dedicator of cytokinesis 6; minus strand), DOCK6-AS1 (DOCK6 antisense RNA 1; plus strand). Cytogenetic location: 19p13.2.
Variant type: single nucleotide variant.
Coding change: c.4480G>T on transcript NM_020812.4 (MANE Select); coding-DNA position 4480, G replaced by T.
Protein change: p.Glu1494Ter; replaces glutamic acid 1494 with a stop codon.
Molecular consequence: nonsense.
Genome position (GRCh38, 1-based): chr19:11,213,187, C>A on the plus strand (G>T on the coding strand, the complement: DOCK6 is on the minus strand). VCF-style: chr19-11213187-C-A. GRCh37 (hg19) VCF-style: chr19-11323863-C-A.
Other names: c.4585G>T, p.Glu1529Ter (NM_001367830.1); short protein forms E1494*, E1529*.
Identifiers: ClinVar variation 522048 (VCV000522048.9), dbSNP rs568049240, ClinGen allele CA9206844.